The following is an entry in ClinVar:

NM_003482.4(KMT2D):c.5526_5527del (p.Pro1844fs)

Gene: KMT2D (lysine methyltransferase 2D; minus strand). Cytogenetic location: 12q13.12.
Variant type: Deletion.
Coding change: c.5526_5527del on transcript NM_003482.4 (MANE Select); coding-DNA positions 5526 to 5527, 2 bases deleted (TA; older notation c.5526_5527delTA).
Protein change: p.Pro1844fs; shifts the reading frame from proline 1844.
Molecular consequence: frameshift variant.
Genome position (GRCh38, 1-based): chr12:49,043,369-49,043,370, TA deleted on the plus strand (TA on the coding strand, the reverse complement: KMT2D is on the minus strand); deleting any 2 consecutive bases within chr12:49,043,369-49,043,371 gives the same sequence; the c. name uses the placement nearest the transcript's 3' end. VCF-style (leftmost placement, unchanged base first): chr12-49043368-GTA-G. GRCh37 (hg19) VCF-style: chr12-49437151-GTA-G.
Other names: short protein forms P1844fs.
Identifiers: ClinVar variation 2701352 (VCV002701352.3), dbSNP rs2498413100, ClinGen allele CA2697559249.

ClinVar aggregate classification (germline): Pathogenic (1 of 4 stars; one submission).

Conditions:
Kabuki syndrome. Also called: Kabuki make-up syndrome; NIIKAWA-KUROKI SYNDROME. Identifiers: Orphanet 2322, MedGen C0796004, MONDO:0016512.

Submission:

Labcorp Genetics (formerly Invitae), Labcorp
Classification: Pathogenic for Kabuki syndrome. Last evaluated: 2023-12-14. Review status: criteria provided, single submitter. Criteria: Invitae Variant Classification Sherloc (09022015). Collection method: clinical testing. Allele origin: germline.
Comment: This sequence change creates a premature translational stop signal (p.Pro1844Argfs*3) in the KMT2D gene. It is expected to result in an absent or disrupted protein product. Loss-of-function variants in KMT2D are known to be pathogenic (PMID: 22126750). This variant is not present in population databases (gnomAD no frequency). This variant has not been reported in the literature in individuals affected with KMT2D-related conditions. For these reasons, this variant has been classified as Pathogenic.

Literature cited by the submitters: PubMed 22126750.